The following is an entry in ClinVar:

ClinVar aggregate classification (germline): Conflicting classifications of pathogenicity. Review status: criteria provided, conflicting classifications (1 of 4 stars). 10 submissions from 8 submitters: Uncertain significance (3); Benign (3); Likely benign (4). Last evaluated 2026-04-01.

Conditions:
Nephronophthisis. Also called: Juvenile Nephronophthisis. Identifiers: Orphanet 655, MedGen C0687120, MONDO:0019005, HP:0000090.
Renal-hepatic-pancreatic dysplasia 1 (RHPD1). Identifiers: MedGen C3715199, MONDO:0008833, OMIM 208540.
Nephronophthisis 3 (NPHP3). Also called: Adolescent nephronophthisis. Identifiers: Orphanet 655, MedGen C1858392, MONDO:0011456, OMIM 604387.
NPHP3-related Meckel-like syndrome. Also called: Meckel syndrome type 7; GOLDSTON SYNDROME. Identifiers: Orphanet 3032, MedGen C2673885, MONDO:0009966, OMIM 267010.

Allele frequency attached by ClinVar (database versions not stated): TOPMed 0.00286; 1000 Genomes Project 0.00040; gnomAD exomes 0.00304 and 0.00537; gnomAD 0.00328 and 0.00334; ExAC 0.00330; 1000 Genomes Project 30x 0.00062; ESP Exome Variant Server 0.00354.
gnomAD v4.1: 8,275 of 1,613,692 alleles (0.51%); highest among the groups gnomAD compares: Non-Finnish European, 0.64%; 33 homozygotes.

Submissions (10):

CeGaT Center for Human Genetics Tuebingen
Classification: Likely benign. Last evaluated: 2026-04-01. Review status: criteria provided, single submitter. Criteria: CeGaT Center For Human Genetics Tuebingen Variant Classification Criteria Version 2. Collection method: clinical testing. Allele origin: germline. Affected: yes. Observed: 8 variant alleles.
Comment: NPHP3: BS2

Labcorp Genetics (formerly Invitae), Labcorp
Classification: Benign for Nephronophthisis. Last evaluated: 2026-02-01. Review status: criteria provided, single submitter. Criteria: Invitae Variant Classification Sherloc (09022015). Collection method: clinical testing. Allele origin: germline.

Mayo Clinic Laboratories, Mayo Clinic
Classification: Benign. Last evaluated: 2025-03-14. Review status: criteria provided, single submitter. Criteria: ACMG Guidelines, 2015. Collection method: clinical testing. Allele origin: germline. Observed: 7 variant alleles.
Comment: BS1, BS2, BP5

Blueprint Genetics
Classification: Likely benign. Last evaluated: 2024-11-25. Review status: criteria provided, single submitter. Criteria: ACMG Guidelines, 2015. Collection method: clinical testing. Allele origin: germline.

Women's Health and Genetics/Laboratory Corporation of America, LabCorp
Classification: Benign. Last evaluated: 2022-01-11. Review status: criteria provided, single submitter. Criteria: LabCorp Variant Classification Summary - May 2015. Collection method: clinical testing. Allele origin: germline.
Comment: Variant summary: NPHP3 c.1189C>T (p.Arg397Cys) results in a non-conservative amino acid change in the encoded protein sequence. Five of five in-silico tools predict a damaging effect of the variant on protein function. The variant allele was found at a frequency of 0.003 in 251380 control chromosomes, including 4 homozygotes. The variant was predominantly found within the Non-Finnish European subpopulation at a frequency of 0.005. The observed variant frequency within Non-Finnish European control individuals in the gnomAD database is approximately 12-fold higher than the estimated maximal expected allele frequency for a pathogenic variant in NPHP3 causing Joubert Syndrome and Related Disorders phenotype (0.0004), strongly suggesting that the variant is a benign polymorphism. c.1189C>T has been reported in the literature in the heterozygous state in individuals affected with retinal- or renal dysorders (e.g. Tiwari_2016, Arno_2017, Hoefele_2007), however in these cases other (potentially) pathogenic variants were also described, including a homozygous deletion variant in NPHP1 that was found in two siblings affected with nephronophthisis (Hoefele_2007). To our knowledge, no experimental evidence demonstrating an impact on protein function has been reported. Four ClinVar submitters have assessed this variant since 2014: one submitter classified the variant as of uncertain significance, two as likely benign, and one as benign. Based on the evidence outlined above, the variant was classified as benign.

GeneDx
Classification: Likely benign. Last evaluated: 2020-11-20. Review status: criteria provided, single submitter. Criteria: GeneDx Variant Classification Process June 2021. Collection method: clinical testing. Allele origin: germline. Affected: yes.
Comment: This variant is associated with the following publications: (PMID: 27392076, 17855640, 23188109)

Illumina Laboratory Services, Illumina
Classification: Uncertain significance for Renal-hepatic-pancreatic dysplasia 1. Last evaluated: 2017-04-27. Review status: criteria provided, single submitter. Criteria: ICSL Variant Classification Criteria 13 December 2019. Collection method: clinical testing. Allele origin: germline.

Illumina Laboratory Services, Illumina
Classification: Uncertain significance for NPHP3-related Meckel-like syndrome. Last evaluated: 2017-04-27. Review status: criteria provided, single submitter. Criteria: ICSL Variant Classification Criteria 13 December 2019. Collection method: clinical testing. Allele origin: germline.

Illumina Laboratory Services, Illumina
Classification: Uncertain significance for Nephronophthisis 3. Last evaluated: 2017-04-27. Review status: criteria provided, single submitter. Criteria: ICSL Variant Classification Criteria 13 December 2019. Collection method: clinical testing. Allele origin: germline.

Eurofins Ntd Llc (ga)
Classification: Likely benign. Last evaluated: 2015-09-02. Review status: criteria provided, single submitter. Criteria: EGL Classification Definitions 2015. Collection method: clinical testing. Allele origin: germline. Observed: 2 variant alleles, 2 heterozygotes.

Literature cited by the submitters: PubMed 17855640 (cited by Mayo Clinic Laboratories, Mayo Clinic and Women's Health and Genetics/Laboratory Corporation of America, LabCorp); PubMed 23188109 (cited by Mayo Clinic Laboratories, Mayo Clinic); PubMed 27392076 (cited by Mayo Clinic Laboratories, Mayo Clinic); PubMed 28132693 (cited by Mayo Clinic Laboratories, Mayo Clinic and Women's Health and Genetics/Laboratory Corporation of America, LabCorp); PubMed 36996300 (cited by Mayo Clinic Laboratories, Mayo Clinic); PubMed 37230223 (cited by Mayo Clinic Laboratories, Mayo Clinic); PubMed 27353947 (cited by Women's Health and Genetics/Laboratory Corporation of America, LabCorp).

NM_153240.5(NPHP3):c.1189C>T (p.Arg397Cys)

Genes: NPHP3 (nephrocystin 3; minus strand), NPHP3-ACAD11 (NPHP3-ACAD11 readthrough (NMD candidate); minus strand). Cytogenetic location: 3q22.1.
Variant type: single nucleotide variant.
Coding change: c.1189C>T on transcript NM_153240.5 (MANE Select); coding-DNA position 1189, C replaced by T.
Protein change: p.Arg397Cys; replaces arginine 397 with cysteine.
Molecular consequence: missense variant. On other transcripts: non-coding transcript variant (1).
Genome position (GRCh38, 1-based): chr3:132,708,187, G>A on the plus strand (C>T on the coding strand, the complement: NPHP3 is on the minus strand). VCF-style: chr3-132708187-G-A. GRCh37 (hg19) VCF-style: chr3-132427031-G-A.
Other names: short protein forms R397C.
Identifiers: ClinVar variation 167379 (VCV000167379.38), dbSNP rs141477666, ClinGen allele CA234417.